The following is an entry in ClinVar:

ClinVar aggregate classification (germline): Uncertain significance. Review status: criteria provided, multiple submitters, no conflicts (2 of 4 stars). 5 submissions from 5 submitters: Uncertain significance (5). Last evaluated 2026-09-18.

Conditions:
VCL-related disorder. Also called: VCL-related condition.
Cardiovascular phenotype. Identifiers: MedGen CN230736.
Dilated cardiomyopathy 1W (CMD1W). Identifiers: Orphanet 154, MedGen C1969639, MONDO:0012667, OMIM 611407.

Allele frequency attached by ClinVar (database versions not stated): ExAC 0.00002; gnomAD 0.00003; gnomAD exomes 0.00003 and 0.00004; TOPMed 0.00003.
gnomAD v4.1: 45 of 1,614,004 alleles (0.0028%); highest among the groups gnomAD compares: Admixed American, 0.0083%; no homozygotes.

Submissions (5):

PreventionGenetics, part of Exact Sciences
Classification: Uncertain significance for VCL-related condition. Last evaluated: 2026-09-18. Review status: criteria provided, single submitter. Criteria: ACMG Guidelines, 2015. Collection method: clinical testing. Allele origin: germline.
Comment: The VCL c.1247G>A variant is predicted to result in the amino acid substitution p.Arg416Gln. This variant has been reported in an individual with dilated cardiomyopathy (Supplementary File 2, van Lint et al. 2019. PubMed ID: 30847666). This variant is reported in 0.010% of alleles in individuals of East Asian descent in gnomAD. At this time, the clinical significance of this variant is uncertain due to the absence of conclusive functional and genetic evidence.

Labcorp Genetics (formerly Invitae), Labcorp
Classification: Uncertain significance for Dilated cardiomyopathy 1W. Last evaluated: 2025-12-08. Review status: criteria provided, single submitter. Criteria: Invitae Variant Classification Sherloc (09022015). Collection method: clinical testing. Allele origin: germline.
Comment: This sequence change replaces arginine, which is basic and polar, with glutamine, which is neutral and polar, at codon 416 of the VCL protein (p.Arg416Gln). This variant is present in population databases (rs758811315, gnomAD 0.01%). This missense change has been observed in individual(s) with dilated cardiomyopathy (PMID: 30847666). ClinVar contains an entry for this variant (Variation ID: 408950). An algorithm developed to predict the effect of missense changes on protein structure and function (PolyPhen-2) suggests that this variant is likely to be tolerated. In summary, the available evidence is currently insufficient to determine the role of this variant in disease. Therefore, it has been classified as a Variant of Uncertain Significance.

Ambry Genetics
Classification: Uncertain significance for Cardiovascular phenotype. Last evaluated: 2023-12-27. Review status: criteria provided, single submitter. Criteria: Ambry Variant Classification Scheme 2023. Collection method: clinical testing. Allele origin: germline.

Clinical Genomics Laboratory, Stanford Medicine
Classification: Uncertain significance. Last evaluated: 2022-05-20. Review status: criteria provided, single submitter. Criteria: ACMG Guidelines, 2015. Collection method: clinical testing. Allele origin: germline. Observed: 1 variant allele, 1 heterozygote.
Comment: The p.Arg416Gln variant in the VCL gene has been previously reported in 1 individual with dilated cardiomyopathy (PMID: 30847666). This variant has also been identified in 2/19,954 East Asian chromosomes by the Genome Aggregation Database. This variant is present in ClinVar (VCV000408950.10) Computational tools predict that this variant does not impact protein function; however, the accuracy of in silico algorithms is limited. These data were assessed using the ACMG/AMP variant interpretation guidelines. In summary, the significance of the p.Arg416Gln variant is uncertain. Additional information is needed to resolve the significance of this variant. [ACMG evidence codes used: PM2]

GeneDx
Classification: Uncertain significance. Last evaluated: 2019-10-28. Review status: criteria provided, single submitter. Criteria: GeneDx Variant Classification Process June 2021. Collection method: clinical testing. Allele origin: germline. Affected: yes.
Comment: Has not been previously published as pathogenic or benign to our knowledge; Not observed at a significant frequency in large population cohorts (Lek et al., 2016); Reported in ClinVar as a variant of uncertain significance (ClinVar Variant ID# 408950; Landrum et al., 2016); In silico analysis, which includes protein predictors and evolutionary conservation, supports that this variant does not alter protein structure/function; This variant is associated with the following publications: (PMID: 30847666)

Literature cited by the submitters: PubMed 30847666 (cited by Labcorp Genetics (formerly Invitae), Labcorp and Clinical Genomics Laboratory, Stanford Medicine).

NM_014000.3(VCL):c.1247G>A (p.Arg416Gln)

Gene: VCL (vinculin; plus strand). Cytogenetic location: 10q22.2.
Variant type: single nucleotide variant.
Coding change: c.1247G>A on transcript NM_014000.3 (MANE Select); coding-DNA position 1247, G replaced by A.
Protein change: p.Arg416Gln; replaces arginine 416 with glutamine.
Molecular consequence: missense variant.
Genome position (GRCh38, 1-based): chr10:74,090,093, G>A. VCF-style: chr10-74090093-G-A. GRCh37 (hg19) VCF-style: chr10-75849851-G-A.
Other names: c.1247G>A, p.Arg416Gln (NM_003373.4); short protein forms R416Q.
Identifiers: ClinVar variation 408950 (VCV000408950.13), dbSNP rs758811315, ClinGen allele CA5562959.